The following is an entry in ClinVar:

NM_002878.4(RAD51D):c.836A>G (p.Asp279Gly)

Genes: RAD51D (RAD51 paralog D; minus strand), RAD51L3-RFFL (RAD51L3-RFFL readthrough; minus strand). Cytogenetic location: 17q12.
Variant type: single nucleotide variant.
Coding change: c.836A>G on transcript NM_002878.4 (MANE Select); coding-DNA position 836, A replaced by G.
Protein change: p.Asp279Gly; replaces aspartic acid 279 with glycine.
Molecular consequence: missense variant. On other transcripts: non-coding transcript variant (3).
Genome position (GRCh38, 1-based): chr17:35,101,268, T>C on the plus strand (A>G on the coding strand, the complement: RAD51D is on the minus strand). VCF-style: chr17-35101268-T-C. GRCh37 (hg19) VCF-style: chr17-33428287-T-C.
Other names: c.896A>G, p.Asp299Gly (NM_001142571.2); c.500A>G, p.Asp167Gly (NM_133629.3); short protein forms D167G, D279G, D299G.
Identifiers: ClinVar variation 2574360 (VCV002574360.2), dbSNP rs1468391995, ClinGen allele CA399086654.

ClinVar aggregate classification (germline): Uncertain significance. Review status: criteria provided, multiple submitters, no conflicts (2 of 4 stars). 2 submissions from 2 submitters: Uncertain significance (2). Last evaluated 2023-12-24.

Conditions:
Breast-ovarian cancer, familial, susceptibility to, 4. Identifiers: Orphanet 145, MedGen C3280345, MONDO:0013669, OMIM 614291.

Submissions (2):

Baylor Genetics
Classification: Uncertain significance for Breast-ovarian cancer, familial, susceptibility to, 4. Last evaluated: 2023-12-24. Review status: criteria provided, single submitter. Criteria: ACMG Guidelines, 2015. Collection method: clinical testing. Allele origin: unknown.

GeneDx
Classification: Uncertain significance. Last evaluated: 2023-07-27. Review status: criteria provided, single submitter. Criteria: GeneDx Variant Classification Process June 2021. Collection method: clinical testing. Allele origin: germline. Affected: yes.
Comment: Not observed at significant frequency in large population cohorts (gnomAD); In silico analysis supports that this missense variant does not alter protein structure/function; Has not been previously published as pathogenic or benign to our knowledge; This variant is associated with the following publications: (PMID: 21111057, 14704354, 19327148)